The following is an entry in ClinVar:

NM_000051.4(ATM):c.8494C>T (p.Arg2832Cys)

Genes: ATM (ATM serine/threonine kinase; plus strand), C11orf65 (chromosome 11 open reading frame 65; minus strand). Cytogenetic location: 11q22.3.
Variant type: single nucleotide variant.
Coding change: c.8494C>T on transcript NM_000051.4 (MANE Select); coding-DNA position 8494, C replaced by T.
Protein change: p.Arg2832Cys; replaces arginine 2832 with cysteine.
Molecular consequence: missense variant. On other transcripts: intron variant (2).
Genome position (GRCh38, 1-based): chr11:108,345,818, C>T. VCF-style: chr11-108345818-C-T. GRCh37 (hg19) VCF-style: chr11-108216545-C-T.
Other names: p.R2832C:CGT>TGT; NM_000051.4(ATM):c.8494C>T; c.8494C>T, p.Arg2832Cys (NM_001351834.2); c.641-36747G>A (NM_001330368.2); c.695-10526G>A (NM_001351110.2); short protein forms R2832C.
Identifiers: ClinVar variation 127459 (VCV000127459.109), dbSNP rs587779872, ClinGen allele CA287019.
Genomic context (GRCh38, chr11:108,345,818, plus strand): 5'-TCTTTTGAAGAGAAATATGAAGTCTTCATGGATGTTTGCCAAAATTTTCAACCAGTTTTC[C>T]GTTACTTCTGCATGGAAAAATTCTTGGATCCAGCTATTTGGTTTGAGAAGCGATTGGCTT-3'
Protein context (NP_000042.3, residues 2822-2842): DVCQNFQPVF[Arg2832Cys]YFCMEKFLDP

ClinVar aggregate classification (germline): Likely pathogenic. Review status: reviewed by expert panel (3 of 4 stars). 31 submissions from 31 submitters: Likely pathogenic (1). 30 of the submissions do not count toward it. Last evaluated 2024-01-25.
ClinVar aggregate classification (somatic clinical impact): Tier I - Strong (1 of 4 stars; one submission).

Conditions:
ATM-related cancer predisposition. Also called: ATM-related cancer susceptibility. Identifiers: MedGen CN377759, MONDO:0700270.
Abnormal central motor function. Identifiers: MedGen C4023354, HP:0011442.
Gastric cancer. Also called: Stomach cancer; Malignant tumor of stomach. Identifiers: MedGen C0024623, MeSH D013274, MONDO:0001056, OMIM 613659, HP:0012126.
Hereditary cancer-predisposing syndrome. Also called: Neoplastic Syndromes, Hereditary; Hereditary Cancer Syndrome; Tumor predisposition; Hereditary neoplastic syndrome. Identifiers: Orphanet 140162, MedGen C0027672, MeSH D009386, MONDO:0015356.
Familial cancer of breast. Also called: BREAST CANCER, FAMILIAL; hereditary breast carcinoma; Hereditary breast cancer. Identifiers: Orphanet 227535, MedGen C0346153, MONDO:0016419, OMIM 114480. Disease mechanism: loss of function.
Ataxia-telangiectasia syndrome (AT). Also called: Ataxia-telangiectasia, complementation group D; AT, COMPLEMENTATION GROUP C; Ataxia-telangiectasia; ATAXIA-TELANGIECTASIA, COMPLEMENTATION GROUP A; ATAXIA-TELANGIECTASIA, FRESNO VARIANT; Ataxia-telangiectasia, complementation group E. Identifiers: Orphanet 100, MedGen C0004135, MONDO:0008840, OMIM 208900.
Diffuse midline glioma, H3 K27M-mutant. Identifiers: MedGen C4289688, MONDO:0957196.

Allele frequency attached by ClinVar (database versions not stated): gnomAD 0.00001; gnomAD exomes 0.00002 and 0.00003; TOPMed 0.00002; ExAC 0.00001.
gnomAD v4.1: 30 of 1,613,666 alleles (0.0019%); highest among the groups gnomAD compares: African/African-American, 0.0053%; no homozygotes.

Submissions 1 to 7 of 32:

ClinGen Hereditary Breast, Ovarian and Pancreatic Cancer Variant Curation Expert Panel, ClinGen
Classification: Likely pathogenic for ATM-related cancer predisposition. Last evaluated: 2024-01-25. Review status: reviewed by expert panel. Criteria: ClinGen HBOP ACMG Specifications ATM V1.2.0. Collection method: curation. Allele origin: germline. Inheritance: Autosomal dominant inheritance.
Comment: The c.8494C>T variant in ATM is a missense variant predicted to cause substitution of arginine by cysteine at amino acid 2832 (p.Arg2832Cys). This variant has been detected in at least 3 individuals with Ataxia-Telangiectasia (PMID: 26896183, 22017321, 26846839). The highest minor allele frequency in gnomAD v2.1.1 of 0.01% (2/16244 alleles) in the African/African American population (PM2_Supporting, BS1, and BA1 are not met). The computational predictor, Revel (Score: 0.83), predicts a damaging effect on ATM function. Additionally, experimental studies showed that this variant has impact on ATM kinase activity and protein levels but radiosensitivity was found to be intermediate compared to wild type (PMID: 18634022). In summary, this variant meets criteria to be classified as likely pathogenic for autosomal dominant hereditary breast cancer and autosomal recessive Ataxia-Telangiectasia based on the ACMG/AMP criteria applied, as specified by the HBOP VCEP. (PM3_Strong, PP3, PS3_supporting)

Labcorp Genetics (formerly Invitae), Labcorp
Classification: Pathogenic for Ataxia-telangiectasia syndrome. Last evaluated: 2026-01-24. Review status: criteria provided, single submitter. Criteria: Invitae Variant Classification Sherloc (09022015). Collection method: clinical testing. Allele origin: germline. Not counted in ClinVar's aggregate classification.
Comment: This sequence change replaces arginine, which is basic and polar, with cysteine, which is neutral and slightly polar, at codon 2832 of the ATM protein (p.Arg2832Cys). This variant is present in population databases (rs587779872, gnomAD 0.01%). This missense change has been observed in individuals with ataxia-telangiectasia and/or breast cancer (PMID: 9443866, 10817650, 10873394, 12552559, 18634022, 26681312). ClinVar contains an entry for this variant (Variation ID: 127459). Invitae Evidence Modeling of protein sequence and biophysical properties (such as structural, functional, and spatial information, amino acid conservation, physicochemical variation, residue mobility, and thermodynamic stability) indicates that this missense variant is expected to disrupt ATM protein function with a positive predictive value of 95%. Experimental studies have shown that this missense change affects ATM function (PMID: 10873394, 19431188). For these reasons, this variant has been classified as Pathogenic.

Color Diagnostics, LLC DBA Color Health
Classification: Pathogenic for Hereditary cancer-predisposing syndrome. Last evaluated: 2025-12-08. Review status: criteria provided, single submitter. Criteria: ACMG Guidelines, 2015. Collection method: clinical testing. Allele origin: germline. Not counted in ClinVar's aggregate classification.
Comment: This missense variant replaces arginine with cysteine at codon 2832 of the ATM protein. Computational prediction suggests that this variant may have deleterious impact on protein structure and function. Functional studies have shown that this variant results in significantly reduced ATM protein expression and kinase activity, and intermediate radiosensitivity (PMID: 10873394, 18634022, 19431188, 22017321). This variant has also been observed homozygous or in compound heterozygous state with another pathogenic variant in individuals affected with ataxia-telangiectasia (PMID: 9443866, 10817650, 10873394, 12552559, 12673797, 18634022, 19147735, 19431188, 21792198, 22017321, 26846839, 26896183). This variant has also been reported in individuals affected with breast cancer (PMID: 18634022, 26022348, 26681312, 28008555, 29665859, 30093976). This variant has been identified in 30/1613666 chromosomes in the general population by the Genome Aggregation Database (gnomAD). Based on the available evidence, this variant is classified as Pathogenic.

Natera, Inc.
Classification: Pathogenic for Ataxia-telangiectasia. Last evaluated: 2025-11-14. Review status: criteria provided, single submitter. Criteria: Natera Variant Classification Schema (03/2026). Collection method: clinical testing. Allele origin: germline. Not counted in ClinVar's aggregate classification.
Comment: The c.8494C>T variant in ATM is a missense variant predicted to cause substitution of arginine to cysteine at amino acid 2832. This variant is rare in the general population with a frequency below the threshold expected for the associated phenotype(s). This variant has been observed in one or more individuals affected with the associated recessive disease, as either homozygous or compound heterozygous with a second variant (PMID: 37802069, 30338439, 26896183, 26846839, 22017321, 12552559, 10873394). Functional studies show that this variant may disrupt protein function (PMID: 18634022). Computational prediction algorithms indicate this variant is likely to affect gene or protein function. Given the available evidence, this variant is classified as Pathogenic.

Dasa
Classification: Likely pathogenic for ATM-related cancer predisposition. Last evaluated: 2025-10-22. Review status: criteria provided, single submitter. Criteria: DASA Assertion Criteria. Collection method: clinical testing. Allele origin: germline. Not counted in ClinVar's aggregate classification.
Comment: NM_000051.4(ATM):c.8494C>T (p.Arg2832Cys) is a missense variant that results in the substitution of arginine with cysteine. This variant has been recurrently observed in individuals with ATM-related cancer predisposition (PMID: 22017321; PMID: 26896183). Functional evidence supports an impact on the gene or gene product (PMID: 22017321; PMID: 26896183). Also, this variant is rare in population databases. Computational evidence supports a deleterious effect. Based on the currently available evidence, this variant is classified as likely pathogenic.

Athena Diagnostics
Classification: Pathogenic. Last evaluated: 2025-09-05. Review status: criteria provided, single submitter. Criteria: Athena Diagnostics Criteria. Collection method: clinical testing. Allele origin: unknown. Not counted in ClinVar's aggregate classification.
Comment: The frequency of this variant in the general population is consistent with pathogenicity. (Genome Aggregation Database (gnomAD), Cambridge, MA (URL)) This variant has been identified in multiple unrelated individuals with autosomal recessive ataxia-telangiectasia as well as in individuals with ATM-related cancers. Assessment of experimental evidence suggests this variant results in abnormal protein function. (PMID: 18634022) In multiple individuals, this variant has been seen with a single recessive pathogenic variant in the same gene, suggesting this variant may also be pathogenic.

Quest Diagnostics Nichols Institute San Juan Capistrano
Classification: Pathogenic. Last evaluated: 2025-09-05. Review status: criteria provided, single submitter. Criteria: Quest Diagnostics criteria. Collection method: clinical testing. Allele origin: unknown. Not counted in ClinVar's aggregate classification.
Comment: The ATM c.8494C>T (p.Arg2832Cys) variant has been reported in the published literature in individuals with Ataxia-telangiectasia (PMID: 9443866 (1998), 10817650 (2000), 10873394 (2000), 12552559 (2003), 30549301 (2019)), breast cancer (PMID: 26022348 (2015), 26681312 (2015), 28779002 (2017), 28008555 (2017), 30093976 (2018), 30303537 (2019), 33763779 (2022), 35365198 (2022), 35264596 (2022), 38355628 (2024), 33471991 (2021), see also LOVD), colorectal cancer (PMID: 28195393 (2017)), and reportedly unaffected individuals (PMID: 30287823 (2018), 33471991 (2021), see also LOVD). Functional studies demonstrated that this variant had inconclusive effects on protein function, showing reduced protein expression and intermediate response to radiation as well as reduced kinase-activity (PMID: 18634022 (2009), 19431188 (2009)). The frequency of this variant in the general population (Genome Aggregation Database) is uninformative in the assessment of its pathogenicity. Analysis of this variant using bioinformatics tools for the prediction of the effect of amino acid changes on protein structure and function yielded predictions that this variant is damaging. Based on the available information, this variant is classified as pathogenic.